The following is an entry in ClinVar:

ClinVar aggregate classification (germline): Uncertain significance (1 of 4 stars; one submission).

Conditions:
Emery-Dreifuss muscular dystrophy 4, autosomal dominant (EDMD4). Also called: EMERY-DREIFUSS MUSCULAR DYSTROPHY 4 WITH VARIABLE FEATURES. Identifiers: Orphanet 261, MedGen C2751807, MONDO:0013071, OMIM 612998.
Autosomal recessive ataxia, Beauce type. Also called: SYNE1-Related Autosomal Recessive Cerebellar Ataxia; Spinocerebellar ataxia, autosomal recessive 8; ATAXIA, RECESSIVE, OF BEAUCE; SYNE1 Deficiency. Identifiers: Orphanet 88644, MedGen C1853116, MONDO:0012549, OMIM 610743.

gnomAD v4.1: 7 of 1,613,982 alleles (0.00043%); highest among the groups gnomAD compares: Non-Finnish European, 0.00059%; no homozygotes.

Submission:

Labcorp Genetics (formerly Invitae), Labcorp
Classification: Uncertain significance for Emery-Dreifuss muscular dystrophy 4, autosomal dominant; Autosomal recessive ataxia, Beauce type. Last evaluated: 2023-06-29. Review status: criteria provided, single submitter. Criteria: Invitae Variant Classification Sherloc (09022015). Collection method: clinical testing. Allele origin: germline.
Comment: An algorithm developed to predict the effect of missense changes on protein structure and function (PolyPhen-2) suggests that this variant is likely to be tolerated. In summary, the available evidence is currently insufficient to determine the role of this variant in disease. Therefore, it has been classified as a Variant of Uncertain Significance. This variant has not been reported in the literature in individuals affected with SYNE1-related conditions. ClinVar contains an entry for this variant (Variation ID: 1370135). This variant is not present in population databases (gnomAD no frequency). This sequence change replaces glutamic acid, which is acidic and polar, with glycine, which is neutral and non-polar, at codon 5646 of the SYNE1 protein (p.Glu5646Gly).

NM_182961.4(SYNE1):c.17150A>G (p.Glu5717Gly)

Genes: SYNE1 (spectrin repeat containing nuclear envelope protein 1; minus strand), LOC126859837 (BRD4-independent group 4 enhancer GRCh37_chr6:152630775-152631974; plus strand). Cytogenetic location: 6q25.2.
Variant type: single nucleotide variant.
Coding change: c.17150A>G on transcript NM_182961.4 (MANE Select); coding-DNA position 17150, A replaced by G.
Protein change: p.Glu5717Gly; replaces glutamic acid 5717 with glycine.
Molecular consequence: missense variant.
Genome position (GRCh38, 1-based): chr6:152,309,887, T>C on the plus strand (A>G on the coding strand, the complement: SYNE1 is on the minus strand). VCF-style: chr6-152309887-T-C. GRCh37 (hg19) VCF-style: chr6-152631022-T-C.
Other names: c.16937A>G, p.Glu5646Gly (NM_033071.5); short protein forms E5646G, E5717G.
Identifiers: ClinVar variation 1370135 (VCV001370135.9), dbSNP rs780396166, ClinGen allele CA366106913.